The following is an entry in ClinVar:

NM_006565.4(CTCF):c.92G>C (p.Gly31Ala)

Gene: CTCF (CCCTC-binding factor; plus strand). Cytogenetic location: 16q22.1.
Variant type: single nucleotide variant.
Coding change: c.92G>C on transcript NM_006565.4 (MANE Select); coding-DNA position 92, G replaced by C.
Protein change: p.Gly31Ala; replaces glycine 31 with alanine.
Molecular consequence: missense variant. On other transcripts: intron variant (1).
Genome position (GRCh38, 1-based): chr16:67,610,924, G>C. VCF-style: chr16-67610924-G-C. GRCh37 (hg19) VCF-style: chr16-67644827-G-C.
Other names: c.92G>C, p.Gly31Ala (NM_001363916.2, NM_001438968.1, NM_001438969.1); c.-32-5821G>C (NM_001191022.2); short protein forms G31A.
Identifiers: ClinVar variation 4278771 (VCV004278771.1).

ClinVar aggregate classification (germline): Uncertain significance (1 of 4 stars; one submission).

Submission:

GeneDx
Classification: Uncertain significance. Last evaluated: 2025-04-01. Review status: criteria provided, single submitter. Criteria: GeneDx Variant Classification Process June 2021. Collection method: clinical testing. Allele origin: germline. Affected: yes.
Comment: Not observed at significant frequency in large population cohorts (gnomAD); In silico analysis indicates that this missense variant does not alter protein structure/function; Has not been previously published as pathogenic or benign to our knowledge